The following is an entry in ClinVar:

ClinVar aggregate classification (germline): Uncertain significance (1 of 4 stars; one submission).

Submission:

Ambry Genetics
Classification: Uncertain significance. Last evaluated: 2024-04-24. Review status: criteria provided, single submitter. Criteria: Ambry Variant Classification Scheme 2023. Collection method: clinical testing. Allele origin: germline.
Comment: The p.P1286R variant (also known as c.3857C>G), located in coding exon 4 of the ALPK2 gene, results from a C to G substitution at nucleotide position 3857. The proline at codon 1286 is replaced by arginine, an amino acid with dissimilar properties. This amino acid position is conserved. In addition, this alteration is predicted to be tolerated by in silico analysis. Based on the available evidence, the clinical significance of this variant remains unclear.

NM_052947.4(ALPK2):c.3857C>G (p.Pro1286Arg)

Genes: ALPK2 (alpha kinase 2; minus strand), LOC126862764 (BRD4-independent group 4 enhancer GRCh37_chr18:56202574-56203773; plus strand). Cytogenetic location: 18q21.31.
Variant type: single nucleotide variant.
Coding change: c.3857C>G on transcript NM_052947.4 (MANE Select); coding-DNA position 3857, C replaced by G.
Protein change: p.Pro1286Arg; replaces proline 1286 with arginine.
Molecular consequence: missense variant.
Genome position (GRCh38, 1-based): chr18:58,536,330, G>C on the plus strand (C>G on the coding strand, the complement: ALPK2 is on the minus strand). VCF-style: chr18-58536330-G-C. GRCh37 (hg19) VCF-style: chr18-56203562-G-C.
Other names: short protein forms P1286R.
Identifiers: ClinVar variation 3290180 (VCV003290180.1).